The following is an entry in ClinVar:

NM_001253697.2(ERBIN):c.2390G>A (p.Ser797Asn)

Gene: ERBIN (erbb2 interacting protein; plus strand). Cytogenetic location: 5q12.3.
Variant type: single nucleotide variant.
Coding change: c.2390G>A on transcript NM_001253697.2 (MANE Select); coding-DNA position 2390, G replaced by A.
Protein change: p.Ser797Asn; replaces serine 797 with asparagine.
Molecular consequence: missense variant.
Genome position (GRCh38, 1-based): chr5:66,053,708, G>A. VCF-style: chr5-66053708-G-A. GRCh37 (hg19) VCF-style: chr5-65349536-G-A.
Other names: c.2390G>A, p.Ser797Asn (NM_001253698.2, NM_001253699.2, NM_018695.4 and 1 more transcripts); c.2378G>A, p.Ser793Asn (NM_001253701.2); short protein forms S793N, S797N.
Identifiers: ClinVar variation 2752538 (VCV002752538.3), dbSNP rs780890106, ClinGen allele CA3286477.
Genomic context (GRCh38, chr5:66,053,708, plus strand): 5'-AACCAGAGATCATGGAAAGATCAAAAACACAGGATATTGTGCTTGGAACAAGCTTTTTAA[G>A]CATTAATTCTAAAGAGGAAACTGAGCACTTGGAAAATGGAAACAAGTATCCTAATTTGGA-3'
Protein context (NP_001240626.1, residues 787-807): QDIVLGTSFL[Ser797Asn]INSKEETEHL

ClinVar aggregate classification (germline): Uncertain significance (1 of 4 stars; one submission).

Allele frequency attached by ClinVar (database versions not stated): gnomAD 0.00001; gnomAD exomes 0.00001; TOPMed 0.00001; ExAC 0.00002.
gnomAD v4.1: 9 of 1,613,720 alleles (0.00056%); highest among the groups gnomAD compares: South Asian, 0.0011%; no homozygotes.

Submission:

Labcorp Genetics (formerly Invitae), Labcorp
Classification: Uncertain significance. Last evaluated: 2023-12-13. Review status: criteria provided, single submitter. Criteria: Invitae Variant Classification Sherloc (09022015). Collection method: clinical testing. Allele origin: germline.
Comment: This sequence change replaces serine, which is neutral and polar, with asparagine, which is neutral and polar, at codon 797 of the ERBIN protein (p.Ser797Asn). This variant is present in population databases (rs780890106, gnomAD 0.003%). This variant has not been reported in the literature in individuals affected with ERBIN-related conditions. Algorithms developed to predict the effect of missense changes on protein structure and function output the following: SIFT: "Not Available"; PolyPhen-2: "Benign"; Align-GVGD: "Not Available". The asparagine amino acid residue is found in multiple mammalian species, which suggests that this missense change does not adversely affect protein function. In summary, the available evidence is currently insufficient to determine the role of this variant in disease. Therefore, it has been classified as a Variant of Uncertain Significance.